The following is an entry in ClinVar:

NM_000494.4(COL17A1):c.3118C>T (p.Pro1040Ser)

Gene: COL17A1 (collagen type XVII alpha 1 chain; minus strand). Cytogenetic location: 10q25.1.
Variant type: single nucleotide variant.
Coding change: c.3118C>T on transcript NM_000494.4 (MANE Select); coding-DNA position 3118, C replaced by T.
Protein change: p.Pro1040Ser; replaces proline 1040 with serine.
Molecular consequence: missense variant.
Genome position (GRCh38, 1-based): chr10:104,037,726, G>A on the plus strand (C>T on the coding strand, the complement: COL17A1 is on the minus strand). VCF-style: chr10-104037726-G-A. GRCh37 (hg19) VCF-style: chr10-105797484-G-A.
Other names: short protein forms P1040S.
Identifiers: ClinVar variation 2402356 (VCV002402356.4), dbSNP rs148120407, ClinGen allele CA5678087.

ClinVar aggregate classification (germline): Uncertain significance. Review status: criteria provided, multiple submitters, no conflicts (2 of 4 stars). 2 submissions from 2 submitters: Uncertain significance (2). Last evaluated 2024-12-31.

Conditions:
Inborn genetic diseases. Identifiers: MedGen C0950123, MeSH D030342.

Allele frequency attached by ClinVar (database versions not stated): ExAC 0.00012; 1000 Genomes Project 30x 0.00016; 1000 Genomes Project 0.00020; TOPMed 0.00042; gnomAD 0.00044; ESP Exome Variant Server 0.00054.

Submissions (2):

Ambry Genetics
Classification: Uncertain significance for Inborn genetic diseases. Last evaluated: 2024-12-31. Review status: criteria provided, single submitter. Criteria: Ambry Variant Classification Scheme 2023. Collection method: clinical testing. Allele origin: germline.

GeneDx
Classification: Uncertain significance. Last evaluated: 2024-01-26. Review status: criteria provided, single submitter. Criteria: GeneDx Variant Classification Process June 2021. Collection method: clinical testing. Allele origin: germline. Affected: yes.
Comment: Has not been previously published as pathogenic or benign to our knowledge; In silico analysis supports that this missense variant has a deleterious effect on protein structure/function